The following is an entry in ClinVar:

ClinVar aggregate classification (germline): Pathogenic (1 of 4 stars; one submission).

Submission:

Labcorp Genetics (formerly Invitae), Labcorp
Classification: Pathogenic. Last evaluated: 2025-03-12. Review status: criteria provided, single submitter. Criteria: Invitae Variant Classification Sherloc (09022015). Collection method: clinical testing. Allele origin: germline.
Comment: This sequence change creates a premature translational stop signal (p.Phe71Alafs*16) in the LCT gene. It is expected to result in an absent or disrupted protein product. Loss-of-function variants in LCT are known to be pathogenic (PMID: 16400612, 25881162). This variant is not present in population databases (gnomAD no frequency). This variant has not been reported in the literature in individuals affected with LCT-related conditions. For these reasons, this variant has been classified as Pathogenic.

Literature cited by the submitters: PubMed 16400612; PubMed 25881162.

NM_002299.4(LCT):c.211_215del (p.Phe71fs)

Gene: LCT (lactase; minus strand). Cytogenetic location: 2q21.3.
Variant type: Deletion.
Coding change: c.211_215del on transcript NM_002299.4 (MANE Select); coding-DNA positions 211 to 215, 5 bases deleted (TTCCT; older notation c.211_215delTTCCT).
Protein change: p.Phe71fs; shifts the reading frame from phenylalanine 71.
Molecular consequence: frameshift variant.
Genome position (GRCh38, 1-based): chr2:135,836,955-135,836,959, AGGAA deleted on the plus strand (TTCCT on the coding strand, the reverse complement: LCT is on the minus strand); deleting any 5 consecutive bases within chr2:135,836,955-135,836,961 gives the same sequence; the c. name uses the placement nearest the transcript's 3' end. VCF-style (leftmost placement, unchanged base first): chr2-135836954-CAGGAA-C. GRCh37 (hg19) VCF-style: chr2-136594524-CAGGAA-C.
Other names: short protein forms F71fs.
Identifiers: ClinVar variation 4768184 (VCV004768184.1).